The following is an entry in ClinVar:

NM_001267550.2(TTN):c.106120T>A (p.Phe35374Ile)

Genes: TTN (titin; minus strand), TTN-AS1 (TTN antisense RNA 1; plus strand), LOC129935182 (ATAC-STARR-seq lymphoblastoid active region 16807; plus strand). Cytogenetic location: 2q31.2.
Variant type: single nucleotide variant.
Coding change: c.106120T>A on transcript NM_001267550.2 (MANE Select); coding-DNA position 106120, T replaced by A.
Protein change: p.Phe35374Ile; replaces phenylalanine 35374 with isoleucine.
Molecular consequence: missense variant.
Genome position (GRCh38, 1-based): chr2:178,530,495, A>T on the plus strand (T>A on the coding strand, the complement: TTN is on the minus strand). VCF-style: chr2-178530495-A-T. GRCh37 (hg19) VCF-style: chr2-179395222-A-T.
Other names: c.101197T>A, p.Phe33733Ile (NM_001256850.1); c.78925T>A, p.Phe26309Ile (NM_003319.4); c.98416T>A, p.Phe32806Ile (NM_133378.4); c.79300T>A, p.Phe26434Ile (NM_133432.3); c.79501T>A, p.Phe26501Ile (NM_133437.4); short protein forms F32806I, F35374I, F26434I, F26309I, F26501I, F33733I.
Identifiers: ClinVar variation 192136 (VCV000192136.1), dbSNP rs786205291, ClinGen allele CA238441.

ClinVar aggregate classification (germline): Likely benign (1 of 4 stars; one submission).

Submission:

Biesecker Lab/Clinical Genomics Section, National Institutes of Health
Classification: Likely benign. Last evaluated: 2013-06-24. Review status: criteria provided, single submitter. Criteria: Ng et al. (Circ Cardiovasc Genet. 2013). Collection method: research. Allele origin: unknown. Observed: 2 variant alleles. Study: ClinSeq.
Comment: The study set was not selected for affection status in relation to any cancer. Pathogenicity categories were based on literature curation. See Pubmed ID:23861362 for details.

Medical sequencing